The following is an entry in ClinVar:

ClinVar aggregate classification (germline): Uncertain significance (1 of 4 stars; one submission).

Submission:

Ambry Genetics
Classification: Uncertain significance. Last evaluated: 2024-09-01. Review status: criteria provided, single submitter. Criteria: Ambry Variant Classification Scheme 2023. Collection method: clinical testing. Allele origin: germline.
Comment: The p.Q112E variant (also known as c.334C>G), located in coding exon 4 of the BUB1 gene, results from a C to G substitution at nucleotide position 334. The glutamine at codon 112 is replaced by glutamic acid, an amino acid with highly similar properties. This amino acid position is conserved. In addition, this alteration is predicted to be tolerated by in silico analysis. Since supporting evidence is limited at this time, the clinical significance of this alteration remains unclear.

NM_004336.5(BUB1):c.334C>G (p.Gln112Glu)

Gene: BUB1 (BUB1 mitotic checkpoint serine/threonine kinase; minus strand). Cytogenetic location: 2q13.
Variant type: single nucleotide variant.
Coding change: c.334C>G on transcript NM_004336.5 (MANE Select); coding-DNA position 334, C replaced by G.
Protein change: p.Gln112Glu; replaces glutamine 112 with glutamic acid.
Molecular consequence: missense variant.
Genome position (GRCh38, 1-based): chr2:110,672,749, G>C on the plus strand (C>G on the coding strand, the complement: BUB1 is on the minus strand). VCF-style: chr2-110672749-G-C. GRCh37 (hg19) VCF-style: chr2-111430326-G-C.
Other names: c.274C>G, p.Gln92Glu (NM_001278616.2); c.334C>G, p.Gln112Glu (NM_001278617.2); short protein forms Q112E, Q92E.
Identifiers: ClinVar variation 1730499 (VCV001730499.3), dbSNP rs2468035884, ClinGen allele CA348220521.